The following is an entry in ClinVar:

ClinVar aggregate classification (germline): Pathogenic (1 of 4 stars; one submission).

Conditions:
Aspartylglucosaminuria (AGU). Also called: AGA DEFICIENCY; GLYCOASPARAGINASE; GLYCOSYLASPARAGINASE DEFICIENCY; Aspartylglucos-aminuria; Aspartylglucos-amidase (AGA) deficiency. Identifiers: Orphanet 93, MedGen C0268225, MONDO:0008830, OMIM 208400, HP:0012068.

Submission:

Myriad Genetics, Inc.
Classification: Pathogenic for Aspartylglucosaminuria. Last evaluated: 2025-12-08. Review status: criteria provided, single submitter. Criteria: Myriad Autosomal Dominant, Autosomal Recessive and X-Linked Classification Criteria (2023). Collection method: clinical testing. Allele origin: unknown.
Comment: NM_000027.3(AGA):c.872C>G(S291*) is a nonsense variant classified as pathogenic in the context of aspartylglucosaminuria. S291* has not been observed in cases with relevant disease. Relevant functional assessments of this variant are not available in the literature. S291* has not been observed in referenced population frequency databases. In summary, NM_000027.3(AGA):c.872C>G(S291*) is a nonsense variant in a gene where loss of function is a known mechanism of disease and is predicted to disrupt protein function. Please note: this variant was assessed in the context of healthy population screening.

NM_000027.4(AGA):c.872C>G (p.Ser291Ter)

Gene: AGA (aspartylglucosaminidase; minus strand). Cytogenetic location: 4q34.3.
Variant type: single nucleotide variant.
Coding change: c.872C>G on transcript NM_000027.4 (MANE Select); coding-DNA position 872, C replaced by G.
Protein change: p.Ser291Ter; replaces serine 291 with a stop codon.
Molecular consequence: nonsense. On other transcripts: non-coding transcript variant (1).
Genome position (GRCh38, 1-based): chr4:177,433,282, G>C on the plus strand (C>G on the coding strand, the complement: AGA is on the minus strand). VCF-style: chr4-177433282-G-C. GRCh37 (hg19) VCF-style: chr4-178354436-G-C.
Other names: c.842C>G, p.Ser281Ter (NM_001171988.2); short protein forms S281*, S291*.
Identifiers: ClinVar variation 5003975 (VCV005003975.1).